The following is an entry in ClinVar:

ClinVar aggregate classification (germline): Pathogenic/Likely pathogenic. Review status: criteria provided, multiple submitters, no conflicts (2 of 4 stars). 3 submissions from 3 submitters: Pathogenic (1); Likely pathogenic (2). Last evaluated 2024-06-17.

Conditions:
Hypertrophic cardiomyopathy 1 (CMH1). Also called: Familial hypertrophic cardiomyopathy 1; MYH7-Related Familial Hypertrophic Cardiomyopathy. Identifiers: MedGen C3495498, MONDO:0008647, OMIM 192600.
Hypertrophic cardiomyopathy. Also called: HYPERTROPHIC MYOCARDIOPATHY. Identifiers: Orphanet 217569, MedGen C0007194, MeSH D002312, MONDO:0005045, HP:0001639.
Cardiovascular phenotype. Identifiers: MedGen CN230736.

Submissions (3):

Labcorp Genetics (formerly Invitae), Labcorp
Classification: Pathogenic for Hypertrophic cardiomyopathy. Last evaluated: 2024-06-17. Review status: criteria provided, single submitter. Criteria: Invitae Variant Classification Sherloc (09022015). Collection method: clinical testing. Allele origin: germline.
Comment: This sequence change replaces isoleucine, which is neutral and non-polar, with valine, which is neutral and non-polar, at codon 702 of the MYH7 protein (p.Ile702Val). This variant is not present in population databases (gnomAD no frequency). This missense change has been observed in individuals with hypertrophic cardiomyopathy (PMID: 23283745, 24093860, 27247418, 27532257, 30847666). ClinVar contains an entry for this variant (Variation ID: 217470). Advanced modeling of protein sequence and biophysical properties (such as structural, functional, and spatial information, amino acid conservation, physicochemical variation, residue mobility, and thermodynamic stability) performed at Invitae indicates that this missense variant is expected to disrupt MYH7 protein function with a positive predictive value of 95%. This variant disrupts the p.Ile702 amino acid residue in MYH7. Other variant(s) that disrupt this residue have been determined to be pathogenic (PMID: 25611685, 33336002; Invitae). This suggests that this residue is clinically significant, and that variants that disrupt this residue are likely to be disease-causing. For these reasons, this variant has been classified as Pathogenic.

Ambry Genetics
Classification: Likely pathogenic for Cardiovascular phenotype. Last evaluated: 2021-06-24. Review status: criteria provided, single submitter. Criteria: Ambry Variant Classification Scheme 2023. Collection method: clinical testing. Allele origin: germline.
Comment: The p.I702V variant (also known as c.2104A>G), located in coding exon 17 of the MYH7 gene, results from an A to G substitution at nucleotide position 2104. The isoleucine at codon 702 is replaced by valine, an amino acid with highly similar properties. This alteration is located in the myosin head domain, which contains a statistically significant clustering of pathogenic missense variants (Homburger JR et al. Proc Natl Acad Sci U S A, 2016 06;113:6701-6; Walsh R et al. Genet Med, 2017 02;19:192-203; Ambry internal data). This variant has been detected in several apparently unrelated individuals reported to have hypertrophic cardiomyopathy (HCM) or who underwent genetic testing for suspicion of HCM (Marsiglia JD et al. Am Heart J, 2013 Oct;166:775-82; Zou Y et al. Mol Biol Rep, 2013 Jun;40:3969-76; Oliveira TG et al. J Mol Diagn, 2015 Jul;17:420-30; Homburger JR et al. Proc Natl Acad Sci U S A, 2016 06;113:6701-6; Walsh R et al. Genet Med, 2017 02;19:192-203; Mazzarotto F et al. Genet Med, 2019 02;21:284-292; van Lint FHM et al. Neth Heart J, 2019 Jun;27:304-309). This variant is considered to be rare based on population cohorts in the Genome Aggregation Database (gnomAD). This amino acid position is highly conserved in available vertebrate species. In addition, this alteration is predicted to be deleterious by in silico analysis. Based on the majority of available evidence to date, this variant is likely to be pathogenic.

Laboratory of Genetics and Molecular Cardiology, University of São Paulo
Classification: Likely pathogenic for Hypertrophic cardiomyopathy 1. Review status: criteria provided, single submitter. Criteria: LGCM Criteria August 2015. Collection method: clinical testing. Allele origin: germline. Inheritance: Autosomal dominant inheritance. Affected: yes. Observed: 1 variant allele. Study: Sarcomeric Human Cardiomyopathy Registry (ShaRe).

Literature cited by the submitters: PubMed 23283745 (cited by Labcorp Genetics (formerly Invitae), Labcorp and Ambry Genetics); PubMed 24093860 (cited by 3 submitters); PubMed 27247418 (cited by Labcorp Genetics (formerly Invitae), Labcorp and Ambry Genetics); PubMed 27532257 (cited by Labcorp Genetics (formerly Invitae), Labcorp and Ambry Genetics); PubMed 30847666 (cited by Labcorp Genetics (formerly Invitae), Labcorp and Ambry Genetics); PubMed 25611685 (cited by Labcorp Genetics (formerly Invitae), Labcorp); PubMed 33336002 (cited by Labcorp Genetics (formerly Invitae), Labcorp); PubMed 25937619 (cited by Ambry Genetics); PubMed 29875424 (cited by Ambry Genetics).

NM_000257.4(MYH7):c.2104A>G (p.Ile702Val)

Gene: MYH7 (myosin heavy chain 7; minus strand). Cytogenetic location: 14q11.2.
Variant type: single nucleotide variant.
Coding change: c.2104A>G on transcript NM_000257.4 (MANE Select); coding-DNA position 2104, A replaced by G.
Protein change: p.Ile702Val; replaces isoleucine 702 with valine.
Molecular consequence: missense variant.
Genome position (GRCh38, 1-based): chr14:23,426,022, T>C on the plus strand (A>G on the coding strand, the complement: MYH7 is on the minus strand). VCF-style: chr14-23426022-T-C. GRCh37 (hg19) VCF-style: chr14-23895231-T-C.
Other names: short protein forms I702V.
Identifiers: ClinVar variation 217470 (VCV000217470.8), dbSNP rs863225101, ClinGen allele CA279302.
Genomic context (GRCh38, chr14:23,426,022, plus strand): 5'-ACCTCTGCCGGAAGTCCCCGTAGAGGATGCGGTTGGGGAAGCCTTTCCTGCAGATGCGGA[T>C]GCCCTCCAGCACACCATTGCAGCGCAGCTGGTGCATGACCAGGGGGTTGTCCATCACCCC-3'
Protein context (NP_000248.2, residues 692-712): QLRCNGVLEG[Ile702Val]RICRKGFPNR